The following is an entry in ClinVar:

ClinVar aggregate classification (germline): Likely pathogenic (1 of 4 stars; one submission).

Conditions:
Inborn genetic diseases. Identifiers: MedGen C0950123, MeSH D030342.

Submission:

Ambry Genetics
Classification: Likely pathogenic for Inborn genetic diseases. Last evaluated: 2026-02-12. Review status: criteria provided, single submitter. Criteria: Ambry Variant Classification Scheme 2023. Collection method: clinical testing. Allele origin: germline.
Comment: The c.3176C>G (p.S1059W) alteration is located in exon 7 (coding exon 6) of the ATN1 gene. This alteration results from a C to G substitution at nucleotide position 3176, causing the serine (S) at amino acid position 1059 to be replaced by a tryptophan (W). for congenital hypotonia, epilepsy, developmental delay, and digital anomalies (CHEDDA); however, it is unlikely to be causative of dentatorubro-pallidoluysian atrophy (DRPLA). This variant was not reported in population-based cohorts in the Genome Aggregation Database (gnomAD). Other variant(s) at the same codon, c.3176C>T (p.S1059L), have been identified in individual(s) with features consistent with congenital hypotonia, epilepsy, developmental delay, and digital anomalies (CHEDDA) (Amby internal data; external communication). This amino acid position is highly conserved in available vertebrate species. The in silico prediction for this alteration is inconclusive. Based on the available evidence, this alteration is classified as likely pathogenic.

Literature cited by the submitters: PubMed 30827498.

NM_001940.4(ATN1):c.3176C>G (p.Ser1059Trp)

Gene: ATN1 (atrophin 1; plus strand). Cytogenetic location: 12p13.31.
Variant type: single nucleotide variant.
Coding change: c.3176C>G on transcript NM_001940.4 (MANE Select); coding-DNA position 3176, C replaced by G.
Protein change: p.Ser1059Trp; replaces serine 1059 with tryptophan.
Molecular consequence: missense variant.
Genome position (GRCh38, 1-based): chr12:6,939,139, C>G. VCF-style: chr12-6939139-C-G. GRCh37 (hg19) VCF-style: chr12-7048302-C-G.
Other names: c.3176C>G, p.Ser1059Trp (NM_001007026.2); short protein forms S1059W.
Identifiers: ClinVar variation 2229107 (VCV002229107.3), dbSNP rs2138219948, ClinGen allele CA383741303.